The following is an entry in ClinVar:

NM_015338.6(ASXL1):c.3301G>T (p.Val1101Leu)

Gene: ASXL1 (ASXL transcriptional regulator 1; plus strand). Cytogenetic location: 20q11.21.
Variant type: single nucleotide variant.
Coding change: c.3301G>T on transcript NM_015338.6 (MANE Select); coding-DNA position 3301, G replaced by T.
Protein change: p.Val1101Leu; replaces valine 1101 with leucine.
Molecular consequence: missense variant.
Genome position (GRCh38, 1-based): chr20:32,436,013, G>T. VCF-style: chr20-32436013-G-T. GRCh37 (hg19) VCF-style: chr20-31023816-G-T.
Other names: c.3118G>T, p.Val1040Leu (NM_001363734.1); short protein forms V1040L, V1101L.
Identifiers: ClinVar variation 4157777 (VCV004157777.1).
Genomic context (GRCh38, chr20:32,436,013, plus strand): 5'-CTGCTGGCCAGTACTGAGTACCAGCCAAGAGCCGTGTGCCTGTCCATGCCTGGGTCCTCA[G>T]TGGAGGCCACTAACCCACTTGTGATGCAGTTGCTGCAGGGTAGCTTGCCCCTAGAGAAGG-3'
Protein context (NP_056153.2, residues 1091-1111): AVCLSMPGSS[Val1101Leu]EATNPLVMQL

ClinVar aggregate classification (germline): Uncertain significance (1 of 4 stars; one submission).

Conditions:
Inborn genetic diseases. Identifiers: MedGen C0950123, MeSH D030342.

Submission:

Ambry Genetics
Classification: Uncertain significance for Inborn genetic diseases. Last evaluated: 2025-06-21. Review status: criteria provided, single submitter. Criteria: Ambry Variant Classification Scheme 2023. Collection method: clinical testing. Allele origin: germline.
Comment: The p.V1101L variant (also known as c.3301G>T), located in coding exon 13 of the ASXL1 gene, results from a G to T substitution at nucleotide position 3301. The valine at codon 1101 is replaced by leucine, an amino acid with highly similar properties. This amino acid position is conserved. In addition, this alteration is predicted to be tolerated by in silico analysis. Based on the available evidence, the clinical significance of this variant remains unclear.